The following is an entry in ClinVar:

NM_000094.4(COL7A1):c.4091C>T (p.Pro1364Leu)

Gene: COL7A1 (collagen type VII alpha 1 chain; minus strand). Cytogenetic location: 3p21.31.
Variant type: single nucleotide variant.
Coding change: c.4091C>T on transcript NM_000094.4 (MANE Select); coding-DNA position 4091, C replaced by T.
Protein change: p.Pro1364Leu; replaces proline 1364 with leucine.
Molecular consequence: missense variant.
Genome position (GRCh38, 1-based): chr3:48,584,513, G>A on the plus strand (C>T on the coding strand, the complement: COL7A1 is on the minus strand). VCF-style: chr3-48584513-G-A. GRCh37 (hg19) VCF-style: chr3-48621946-G-A.
Other names: short protein forms P1364L.
Identifiers: ClinVar variation 1346431 (VCV001346431.8), dbSNP rs2107734875, ClinGen allele CA352695853.

ClinVar aggregate classification (germline): Uncertain significance (1 of 4 stars; one submission).

Submission:

Labcorp Genetics (formerly Invitae), Labcorp
Classification: Uncertain significance. Last evaluated: 2021-04-17. Review status: criteria provided, single submitter. Criteria: Invitae Variant Classification Sherloc (09022015). Collection method: clinical testing. Allele origin: germline.
Comment: Algorithms developed to predict the effect of missense changes on protein structure and function are either unavailable or do not agree on the potential impact of this missense change (SIFT: "Deleterious"; PolyPhen-2: "Not Available"; Align-GVGD: "Class C65"). In summary, the available evidence is currently insufficient to determine the role of this variant in disease. Therefore, it has been classified as a Variant of Uncertain Significance. This sequence change replaces proline with leucine at codon 1364 of the COL7A1 protein (p.Pro1364Leu). The proline residue is highly conserved and there is a moderate physicochemical difference between proline and leucine. This variant is not present in population databases (ExAC no frequency). This variant has not been reported in the literature in individuals with COL7A1-related conditions.